The following is an entry in ClinVar:

NM_199511.3(CCDC80):c.1839C>G (p.Ala613=)

Gene: CCDC80 (coiled-coil domain containing 80; minus strand). Cytogenetic location: 3q13.2.
Variant type: single nucleotide variant.
Coding change: c.1839C>G on transcript NM_199511.3 (MANE Select); coding-DNA position 1839, C replaced by G.
Protein change: p.Ala613=; no amino-acid change (alanine 613 retained).
Molecular consequence: synonymous variant.
Genome position (GRCh38, 1-based): chr3:112,638,067, G>C on the plus strand (C>G on the coding strand, the complement: CCDC80 is on the minus strand). VCF-style: chr3-112638067-G-C. GRCh37 (hg19) VCF-style: chr3-112356914-G-C.
Other names: c.1839C>G, p.Ala613= (NM_199512.3).
Identifiers: ClinVar variation 3234333 (VCV003234333.20), dbSNP rs142765055, ClinGen allele CA2540509.

ClinVar aggregate classification (germline): Likely benign (1 of 4 stars; one submission).

Allele frequency attached by ClinVar (database versions not stated): ESP Exome Variant Server 0.00038.
gnomAD v4.1: 93 of 1,609,418 alleles (0.0058%); highest among the groups gnomAD compares: African/African-American, 0.098%; 1 homozygote.

Submission:

CeGaT Center for Human Genetics Tuebingen
Classification: Likely benign. Last evaluated: 2024-04-01. Review status: criteria provided, single submitter. Criteria: CeGaT Center For Human Genetics Tuebingen Variant Classification Criteria Version 2. Collection method: clinical testing. Allele origin: germline. Affected: yes. Observed: 1 variant allele.
Comment: CCDC80: BP4, BP7